The following is an entry in ClinVar:

ClinVar aggregate classification (germline): Uncertain significance. Review status: criteria provided, multiple submitters, no conflicts (2 of 4 stars). 2 submissions from 2 submitters: Uncertain significance (2). Last evaluated 2020-02-10.

Conditions:
Dilated cardiomyopathy 1G (CMD1G). Identifiers: Orphanet 154, MedGen C1858763, MONDO:0011400, OMIM 604145.
Autosomal recessive limb-girdle muscular dystrophy type 2J (LGMDR10). Also called: Limb-girdle muscular dystrophy, type 2J; MUSCULAR DYSTROPHY, LIMB-GIRDLE, AUTOSOMAL RECESSIVE 10. Identifiers: Orphanet 140922, MedGen C1837342, MONDO:0012127, OMIM 608807.
Cardiovascular phenotype. Identifiers: MedGen CN230736.

Allele frequency attached by ClinVar (database versions not stated): gnomAD exomes below 0.00001 and 0.00003.
gnomAD v4.1: 40 of 1,613,396 alleles (0.0025%); highest among the groups gnomAD compares: Non-Finnish European, 0.0033%; no homozygotes.

Submissions (2):

Ambry Genetics
Classification: Uncertain significance for Cardiovascular phenotype. Last evaluated: 2020-02-10. Review status: criteria provided, single submitter. Criteria: Ambry Variant Classification Scheme 2023. Collection method: clinical testing. Allele origin: germline.
Comment: The p.V20561A variant (also known as c.61682T>C), located in coding exon 159 of the TTN gene, results from a T to C substitution at nucleotide position 61682. The valine at codon 20561 is replaced by alanine, an amino acid with similar properties. This amino acid position is not well conserved in available vertebrate species. In addition, this alteration is predicted to be tolerated by in silico analysis. Since supporting evidence is limited at this time, the clinical significance of this alteration remains unclear.

Labcorp Genetics (formerly Invitae), Labcorp
Classification: Uncertain significance for Dilated cardiomyopathy 1G; Autosomal recessive limb-girdle muscular dystrophy type 2J. Last evaluated: 2016-08-24. Review status: criteria provided, single submitter. Criteria: Invitae Variant Classification Sherloc (09022015). Collection method: clinical testing. Allele origin: germline.

NM_001267550.2(TTN):c.88877T>C (p.Val29626Ala)

Genes: TTN-AS1 (TTN antisense RNA 1; plus strand), TTN (titin; minus strand). Cytogenetic location: 2q31.2.
Variant type: single nucleotide variant.
Coding change: c.88877T>C on transcript NM_001267550.2 (MANE Select); coding-DNA position 88877, T replaced by C.
Protein change: p.Val29626Ala; replaces valine 29626 with alanine.
Molecular consequence: missense variant.
Genome position (GRCh38, 1-based): chr2:178,554,470, A>G on the plus strand (T>C on the coding strand, the complement: TTN is on the minus strand). VCF-style: chr2-178554470-A-G. GRCh37 (hg19) VCF-style: chr2-179419197-A-G.
Other names: c.83954T>C, p.Val27985Ala (NM_001256850.1); c.61682T>C, p.Val20561Ala (NM_003319.4); c.81173T>C, p.Val27058Ala (NM_133378.4); c.62057T>C, p.Val20686Ala (NM_133432.3); c.62258T>C, p.Val20753Ala (NM_133437.4); short protein forms V29626A, V20561A, V20686A, V27058A, V27985A, V20753A.
Identifiers: ClinVar variation 404974 (VCV000404974.5), dbSNP rs766178585, ClinGen allele CA16610349.